The following is an entry in ClinVar:

NM_182972.3(IRF2BP2):c.289C>G (p.Gln97Glu)

Genes: IRF2BP2 (interferon regulatory factor 2 binding protein 2; minus strand), LOC129932812 (ATAC-STARR-seq lymphoblastoid silent region 1977; plus strand). Cytogenetic location: 1q42.3.
Variant type: single nucleotide variant.
Coding change: c.289C>G on transcript NM_182972.3 (MANE Select); coding-DNA position 289, C replaced by G.
Protein change: p.Gln97Glu; replaces glutamine 97 with glutamic acid.
Molecular consequence: missense variant.
Genome position (GRCh38, 1-based): chr1:234,609,206, G>C on the plus strand (C>G on the coding strand, the complement: IRF2BP2 is on the minus strand). VCF-style: chr1-234609206-G-C. GRCh37 (hg19) VCF-style: chr1-234744952-G-C.
Other names: c.289C>G, p.Gln97Glu (NM_001077397.1); short protein forms Q97E.
Identifiers: ClinVar variation 1525908 (VCV001525908.10), dbSNP rs1672270147, ClinGen allele CA345311303.
Genomic context (GRCh38, chr1:234,609,206, plus strand): 5'-AGCGCTCCAAGGCCTGCGGCGCGCGCGGGGCCGCCTCGGGGCCGCCGTGGCCAAGCTGCT[G>C]CTGCTGCTGCAAAAGGATGTCCTTGGCGGAGAGCGGCGGCGGCTTGGCGGCGGCCGAGGC-3'
Protein context (NP_892017.2, residues 87-107): SAKDILLQQQ[Gln97Glu]QLGHGGPEAA

ClinVar aggregate classification (germline): Uncertain significance. Review status: criteria provided, multiple submitters, no conflicts (2 of 4 stars). 2 submissions from 2 submitters: Uncertain significance (2). Last evaluated 2022-01-26.

Conditions:
Immunodeficiency, common variable, 14. Identifiers: Orphanet 696904, MedGen C4540380, MONDO:0054691, OMIM 617765.

Allele frequency attached by ClinVar (database versions not stated): gnomAD exomes below 0.00001; TOPMed below 0.00001.
gnomAD v4.1: 1 of 1,324,124 alleles (0.000076%); highest among the groups gnomAD compares: Non-Finnish European, 0.000096%; no homozygotes.

Submissions (2):

Laboratorio de Genetica e Diagnostico Molecular, Hospital Israelita Albert Einstein
Classification: Uncertain significance for Immunodeficiency, common variable, 14. Last evaluated: 2022-01-26. Review status: criteria provided, single submitter. Criteria: ACMG Guidelines, 2015. Collection method: clinical testing. Allele origin: germline. Affected: yes.
Comment: ACMG classification criteria: PM2 moderate, BP4 supporting

Labcorp Genetics (formerly Invitae), Labcorp
Classification: Uncertain significance. Last evaluated: 2021-07-01. Review status: criteria provided, single submitter. Criteria: Invitae Variant Classification Sherloc (09022015). Collection method: clinical testing. Allele origin: germline.
Comment: This sequence change replaces glutamine with glutamic acid at codon 97 of the IRF2BP2 protein (p.Gln97Glu). The glutamine residue is weakly conserved and there is a small physicochemical difference between glutamine and glutamic acid. The frequency data for this variant in the population databases is considered unreliable, as metrics indicate insufficient coverage at this position in the ExAC database. This variant has not been reported in the literature in individuals with IRF2BP2-related conditions. Algorithms developed to predict the effect of missense changes on protein structure and function (SIFT, PolyPhen-2, Align-GVGD) all suggest that this variant is likely to be tolerated, but these predictions have not been confirmed by published functional studies and their clinical significance is uncertain. In summary, the available evidence is currently insufficient to determine the role of this variant in disease. Therefore, it has been classified as a Variant of Uncertain Significance.